The following is an entry in ClinVar:

NM_006270.5(RRAS):c.371C>A (p.Thr124Lys)

Gene: RRAS (RAS related; minus strand). Cytogenetic location: 19q13.33.
Variant type: single nucleotide variant.
Coding change: c.371C>A on transcript NM_006270.5 (MANE Select); coding-DNA position 371, C replaced by A.
Protein change: p.Thr124Lys; replaces threonine 124 with lysine.
Molecular consequence: missense variant.
Genome position (GRCh38, 1-based): chr19:49,636,701, G>T on the plus strand (C>A on the coding strand, the complement: RRAS is on the minus strand). VCF-style: chr19-49636701-G-T. GRCh37 (hg19) VCF-style: chr19-50139958-G-T.
Other names: short protein forms T124K.
Identifiers: ClinVar variation 4056103 (VCV004056103.2).
Genomic context (GRCh38, chr19:49,636,701, plus strand): 5'-GCCTTGTTCCCGACCAACACAACGGGGAAGTCGTCGCGGTCCTTGACCCGCAGAATCTGC[G>T]TGAAGAGCTTGCCCACCTCGTTGAAACTGCGAGTGAAGCCGGAGGCATGAGGTCCAGCCA-3'
Protein context (NP_006261.1, residues 114-134): QSFNEVGKLF[Thr124Lys]QILRVKDRDD

ClinVar aggregate classification (germline): Uncertain significance (1 of 4 stars; one submission).

Conditions:
Noonan syndrome (NS). Also called: Noonan's syndrome. Identifiers: Orphanet 648, MedGen C0028326, MeSH D009634, MONDO:0018997. Disease mechanism: gain of function.

Submission:

St. Jude Molecular Pathology, St. Jude Children's Research Hospital
Classification: Uncertain significance for Noonan syndrome. Last evaluated: 2025-06-17. Review status: criteria provided, single submitter. Criteria: St. Jude Assertion Criteria 2020. Collection method: clinical testing. Allele origin: germline.
Comment: The RRAS c.371C>A p.(Thr124Lys) missense change is absent in gnomAD v2.1.1. The in silico tool REVEL is inconclusive about a pathogenic or benign effect of this variant on protein function, and to our knowledge functional studies have not been performed. To our knowledge, this variant has not been reported in individuals with Noonan syndrome. In summary, the evidence currently available is insufficient to determine the clinical significance of this variant. It has therefore been classified as of uncertain significance.